The following is an entry in ClinVar:

ClinVar aggregate classification (germline): Uncertain significance (1 of 4 stars; one submission).

Conditions:
PCNT-related disorder. Also called: PCNT-related condition.

gnomAD v4.1: 12 of 1,613,988 alleles (0.00074%); highest among the groups gnomAD compares: Non-Finnish European, 0.001%; no homozygotes.

Submission:

PreventionGenetics, part of Exact Sciences
Classification: Uncertain significance for PCNT-related condition. Last evaluated: 2025-07-24. Review status: criteria provided, single submitter. Criteria: ACMG Guidelines, 2015. Collection method: clinical testing. Allele origin: germline.
Comment: The PCNT c.3213G>C variant is predicted to result in the amino acid substitution p.Glu1071Asp. To our knowledge, this variant has not been reported in the literature. This variant is reported in 0.0065% of alleles in individuals of European (Non-Finnish) descent in gnomAD. At this time, the clinical significance of this variant is uncertain due to the absence of conclusive functional and genetic evidence.

NM_006031.6(PCNT):c.3213G>C (p.Glu1071Asp)

Gene: PCNT (pericentrin; plus strand). Cytogenetic location: 21q22.3.
Variant type: single nucleotide variant.
Coding change: c.3213G>C on transcript NM_006031.6 (MANE Select); coding-DNA position 3213, G replaced by C.
Protein change: p.Glu1071Asp; replaces glutamic acid 1071 with aspartic acid.
Molecular consequence: missense variant.
Genome position (GRCh38, 1-based): chr21:46,381,741, G>C. VCF-style: chr21-46381741-G-C. GRCh37 (hg19) VCF-style: chr21-47801656-G-C.
Other names: c.2859G>C, p.Glu953Asp (NM_001315529.2); short protein forms E953D, E1071D.
Identifiers: ClinVar variation 5000893 (VCV005000893.1).
Genomic context (GRCh38, chr21:46,381,741, plus strand): 5'-TTGATGTGTACAGGGTGAATTTGGAAGTGAAAAGAAAACTGCTTTGCATGAAAAAGAGGA[G>C]ACACTTCGGCTTCAGAGTGCACAGGCACAGCCTTTTCACCAAGAGGAGAAAGAGTCTTTG-3'
Protein context (NP_006022.3, residues 1061-1081): EKKTALHEKE[Glu1071Asp]TLRLQSAQAQ